The following is an entry in ClinVar:

ClinVar aggregate classification (germline): Uncertain significance. Review status: criteria provided, multiple submitters, no conflicts (2 of 4 stars). 2 submissions from 2 submitters: Uncertain significance (2). Last evaluated 2023-06-29.

Conditions:
Inborn genetic diseases. Identifiers: MedGen C0950123, MeSH D030342.
Primary ciliary dyskinesia. Also called: Ciliary dyskinesia. Identifiers: Orphanet 244, MedGen C0008780, MONDO:0016575, HP:0012265.

Allele frequency attached by ClinVar (database versions not stated): gnomAD exomes 0.00001; gnomAD 0.00003; TOPMed 0.00004; ExAC 0.00012.
gnomAD v4.1: 25 of 1,614,240 alleles (0.0015%); highest among the groups gnomAD compares: East Asian, 0.045%; no homozygotes.

Submissions (2):

Ambry Genetics
Classification: Uncertain significance for Inborn genetic diseases. Last evaluated: 2023-06-29. Review status: criteria provided, single submitter. Criteria: Ambry Variant Classification Scheme 2023. Collection method: clinical testing. Allele origin: germline.

Labcorp Genetics (formerly Invitae), Labcorp
Classification: Uncertain significance for Primary ciliary dyskinesia. Last evaluated: 2022-07-03. Review status: criteria provided, single submitter. Criteria: Invitae Variant Classification Sherloc (09022015). Collection method: clinical testing. Allele origin: germline.
Comment: This sequence change replaces asparagine, which is neutral and polar, with serine, which is neutral and polar, at codon 40 of the RSPH1 protein (p.Asn40Ser). This variant is present in population databases (rs751918978, gnomAD 0.1%). This variant has not been reported in the literature in individuals affected with RSPH1-related conditions. Algorithms developed to predict the effect of missense changes on protein structure and function are either unavailable or do not agree on the potential impact of this missense change (SIFT: "Tolerated"; PolyPhen-2: "Probably Damaging"; Align-GVGD: "Class C0"). In summary, the available evidence is currently insufficient to determine the role of this variant in disease. Therefore, it has been classified as a Variant of Uncertain Significance.

NM_080860.4(RSPH1):c.119A>G (p.Asn40Ser)

Genes: RSPH1 (radial spoke head component 1; minus strand), LOC126653391 (CDK7 strongly-dependent group 2 enhancer GRCh37_chr21:43912470-43913669; plus strand). Cytogenetic location: 21q22.3.
Variant type: single nucleotide variant.
Coding change: c.119A>G on transcript NM_080860.4 (MANE Select); coding-DNA position 119, A replaced by G.
Protein change: p.Asn40Ser; replaces asparagine 40 with serine.
Molecular consequence: missense variant. On other transcripts: intron variant (1).
Genome position (GRCh38, 1-based): chr21:42,493,015, T>C on the plus strand (A>G on the coding strand, the complement: RSPH1 is on the minus strand). VCF-style: chr21-42493015-T-C. GRCh37 (hg19) VCF-style: chr21-43913125-T-C.
Other names: c.119A>G (NM_080860.2); c.55-152A>G (NM_001286506.2); short protein forms N40S.
Identifiers: ClinVar variation 2175207 (VCV002175207.3), dbSNP rs751918978, ClinGen allele CA10044060.
Genomic context (GRCh38, chr21:42,493,015, plus strand): 5'-ACGGTTCTGACCTGGCCATGTCTTTTACCGAATTCGTAGCTCCCTTCGTAGGTGTCCCCG[T>C]TGGGTAGCCGTGCCCTCCCACGTCCGTGCCTTTCGCCTGCCTCATTCCGACCCCCCTCAT-3'
Protein context (NP_543136.1, residues 30-50): RHGRGRARLP[Asn40Ser]GDTYEGSYEF